The following is an entry in ClinVar:

NM_001370466.1(NOD2):c.79G>A (p.Glu27Lys)

Gene: NOD2 (nucleotide binding oligomerization domain containing 2; plus strand). Cytogenetic location: 16q12.1.
Variant type: single nucleotide variant.
Coding change: c.79G>A on transcript NM_001370466.1 (MANE Select); coding-DNA position 79, G replaced by A.
Protein change: p.Glu27Lys; replaces glutamic acid 27 with lysine.
Molecular consequence: missense variant. On other transcripts: non-coding transcript variant (1).
Genome position (GRCh38, 1-based): chr16:50,699,574, G>A. VCF-style: chr16-50699574-G-A. GRCh37 (hg19) VCF-style: chr16-50733485-G-A.
Other names: p.Glu54Lys; c.79G>A, p.Glu27Lys (NM_001293557.2); c.160G>A, p.Glu54Lys (NM_022162.3); short protein forms E27K, E54K.
Identifiers: ClinVar variation 2925223 (VCV002925223.4), dbSNP rs780204985, ClinGen allele CA8051211.

ClinVar aggregate classification (germline): Uncertain significance. Review status: criteria provided, multiple submitters, no conflicts (2 of 4 stars). 2 submissions from 2 submitters: Uncertain significance (2). Last evaluated 2025-10-26.

Conditions:
Regional enteritis. Also called: Enteritis, Granulomatous. Identifiers: MedGen C0678202, MeSH D003424.
Blau syndrome (BLAUS). Also called: ARTHROCUTANEOUVEAL GRANULOMATOSIS; GRANULOMATOSIS, FAMILIAL JUVENILE SYSTEMIC; GRANULOMATOSIS, FAMILIAL, BLAU TYPE; GRANULOMATOUS INFLAMMATORY ARTHRITIS, DERMATITIS, AND UVEITIS, FAMILIAL; JABS SYNDROME. Identifiers: Orphanet 90340, MedGen C5201146, MONDO:0008523, OMIM 186580.

Allele frequency attached by ClinVar (database versions not stated): ExAC 0.00005; gnomAD 0.00009.
gnomAD v4.1: 68 of 1,614,028 alleles (0.0042%); highest among the groups gnomAD compares: East Asian, 0.02%; no homozygotes.

Submissions (2):

Labcorp Genetics (formerly Invitae), Labcorp
Classification: Uncertain significance for Regional enteritis; Blau syndrome. Last evaluated: 2025-10-26. Review status: criteria provided, single submitter. Criteria: Invitae Variant Classification Sherloc (09022015). Collection method: clinical testing. Allele origin: germline.
Comment: This sequence change replaces glutamic acid, which is acidic and polar, with lysine, which is basic and polar, at codon 54 of the NOD2 protein (p.Glu54Lys). This variant is present in population databases (rs780204985, gnomAD 0.03%). This missense change has been observed in individual(s) with Crohn's disease (PMID: 30166421, 33692434). ClinVar contains an entry for this variant (Variation ID: 2925223). Invitae Evidence Modeling of protein sequence and biophysical properties (such as structural, functional, and spatial information, amino acid conservation, physicochemical variation, residue mobility, and thermodynamic stability) has been performed for this missense variant. However, the output from this modeling did not meet the statistical confidence thresholds required to predict the impact of this variant on NOD2 protein function. Experimental studies have shown that this missense change affects NOD2 function (PMID: 35273242). In summary, the available evidence is currently insufficient to determine the role of this variant in disease. Therefore, it has been classified as a Variant of Uncertain Significance.

Mayo Clinic Laboratories, Mayo Clinic
Classification: Uncertain significance. Last evaluated: 2025-08-23. Review status: criteria provided, single submitter. Criteria: ACMG Guidelines, 2015. Collection method: clinical testing. Allele origin: germline. Observed: 1 variant allele.
Comment: PS3_supporting

Literature cited by the submitters: PubMed 30166421 (cited by Labcorp Genetics (formerly Invitae), Labcorp and Mayo Clinic Laboratories, Mayo Clinic); PubMed 33692434 (cited by Labcorp Genetics (formerly Invitae), Labcorp and Mayo Clinic Laboratories, Mayo Clinic); PubMed 35273242 (cited by Labcorp Genetics (formerly Invitae), Labcorp and Mayo Clinic Laboratories, Mayo Clinic).